The following is an entry in ClinVar:

NM_001130144.3(LTBP3):c.1975G>C (p.Val659Leu)

Genes: LTBP3 (latent transforming growth factor beta binding protein 3; minus strand), LOC130006032 (ATAC-STARR-seq lymphoblastoid silent region 3535; plus strand). Cytogenetic location: 11q13.1.
Variant type: single nucleotide variant.
Coding change: c.1975G>C on transcript NM_001130144.3 (MANE Select); coding-DNA position 1975, G replaced by C.
Protein change: p.Val659Leu; replaces valine 659 with leucine.
Molecular consequence: missense variant.
Genome position (GRCh38, 1-based): chr11:65,547,693, C>G on the plus strand (G>C on the coding strand, the complement: LTBP3 is on the minus strand). VCF-style: chr11-65547693-C-G. GRCh37 (hg19) VCF-style: chr11-65315164-C-G.
Other names: c.1624G>C, p.Val542Leu (NM_001164266.1); c.1975G>C, p.Val659Leu (NM_021070.4); short protein forms V542L, V659L.
Identifiers: ClinVar variation 3541133 (VCV003541133.3).

ClinVar aggregate classification (germline): Uncertain significance. Review status: criteria provided, multiple submitters, no conflicts (2 of 4 stars). 2 submissions from 2 submitters: Uncertain significance (2). Last evaluated 2024-09-10.

Conditions:
Inborn genetic diseases. Identifiers: MedGen C0950123, MeSH D030342.
Brachyolmia-amelogenesis imperfecta syndrome. Also called: Tooth agenesis, selective, 6; Dental anomalies and short stature; PLATYSPONDYLY WITH AMELOGENESIS IMPERFECTA. Identifiers: Orphanet 2899, MedGen C1832594, MONDO:0011018, OMIM 601216. Disease mechanism: loss of function.

Submissions (2):

Ambry Genetics
Classification: Uncertain significance for Inborn genetic diseases. Last evaluated: 2024-09-10. Review status: criteria provided, single submitter. Criteria: Ambry Variant Classification Scheme 2023. Collection method: clinical testing. Allele origin: germline.

Labcorp Genetics (formerly Invitae), Labcorp
Classification: Uncertain significance for Brachyolmia-amelogenesis imperfecta syndrome. Last evaluated: 2024-05-27. Review status: criteria provided, single submitter. Criteria: Invitae Variant Classification Sherloc (09022015). Collection method: clinical testing. Allele origin: germline.
Comment: This sequence change replaces valine, which is neutral and non-polar, with leucine, which is neutral and non-polar, at codon 659 of the LTBP3 protein (p.Val659Leu). This variant is present in population databases (no rsID available, gnomAD 0.002%). This variant has not been reported in the literature in individuals affected with LTBP3-related conditions. An algorithm developed to predict the effect of missense changes on protein structure and function (PolyPhen-2) suggests that this variant is likely to be tolerated. In summary, the available evidence is currently insufficient to determine the role of this variant in disease. Therefore, it has been classified as a Variant of Uncertain Significance.